The following is an entry in ClinVar:

NM_000535.7(PMS2):c.2445+4A>G

Gene: PMS2 (PMS1 homolog 2, mismatch repair system component; minus strand). Cytogenetic location: 7p22.1.
Variant type: single nucleotide variant.
Coding change: c.2445+4A>G on transcript NM_000535.7 (MANE Select); 4 bases into the intron after coding-DNA position 2445, A replaced by G.
Molecular consequence: intron variant.
Genome position (GRCh38, 1-based): chr7:5,977,584, T>C on the plus strand (A>G on the coding strand, the complement: PMS2 is on the minus strand). VCF-style: chr7-5977584-T-C. GRCh37 (hg19) VCF-style: chr7-6017215-T-C.
Other names: c.2040+4A>G (NM_001406890.1, NM_001406891.1, NM_001406899.1 and 11 more transcripts); c.2079+4A>G (NM_001406886.1); c.2121+4A>G (NM_001406884.1); c.2277+4A>G (NM_001406874.1, NM_001406872.1); c.1512+4A>G (NM_001322011.2, NM_001322012.2); c.2337+4A>G (NM_001406869.1); c.2247+4A>G (NM_001406873.1); c.1242+4A>G (NM_001406912.1); and 20 more.
Identifiers: ClinVar variation 3671747 (VCV003671747.2).

ClinVar aggregate classification (germline): Uncertain significance (1 of 4 stars; one submission).

Conditions:
Hereditary nonpolyposis colorectal neoplasms. Identifiers: MedGen C0009405, MeSH D003123.

Submission:

Labcorp Genetics (formerly Invitae), Labcorp
Classification: Uncertain significance for Hereditary nonpolyposis colorectal neoplasms. Last evaluated: 2024-06-09. Review status: criteria provided, single submitter. Criteria: Invitae Variant Classification Sherloc (09022015). Collection method: clinical testing. Allele origin: germline.
Comment: This sequence change falls in intron 14 of the PMS2 gene. It does not directly change the encoded amino acid sequence of the PMS2 protein. It affects a nucleotide within the consensus splice site. The frequency data for this variant in the population databases (gnomAD) is considered unreliable due to the presence of homologous sequence, such as pseudogenes or paralogs, in the genome. This variant has not been reported in the literature in individuals affected with PMS2-related conditions. Variants that disrupt the consensus splice site are a relatively common cause of aberrant splicing (PMID: 17576681, 9536098). Algorithms developed to predict the effect of sequence changes on RNA splicing suggest that this variant is not likely to affect RNA splicing. In summary, the available evidence is currently insufficient to determine the role of this variant in disease. Therefore, it has been classified as a Variant of Uncertain Significance.

Literature cited by the submitters: PubMed 17576681; PubMed 9536098.